The following is an entry in ClinVar:

ClinVar aggregate classification (germline): Pathogenic (1 of 4 stars; one submission).

Conditions:
Renal cysts and diabetes syndrome (RCAD). Also called: MATURITY-ONSET DIABETES OF THE YOUNG, TYPE 5; Familial hypoplastic, glomerulocystic kidney. Identifiers: Orphanet 93111, MedGen C0431693, MONDO:0007669, OMIM 137920.

Submission:

MVZ Medizinische Genetik Mainz
Classification: Pathogenic for Renal cysts and diabetes syndrome. Last evaluated: 2022-07-25. Review status: criteria provided, single submitter. Criteria: UK Practice Guidelines For Variant Classification V4 01 2020. Collection method: clinical testing. Allele origin: germline. Inheritance: Autosomal dominant inheritance. Affected: yes. Observed: 1 variant allele.
Comment: ACMG Criteria: PVS1, PM2_SUP, PP4 (ACMG Version 4)

NM_000458.4(HNF1B):c.827_837del (p.Arg276fs)

Gene: HNF1B (HNF1 homeobox B; minus strand). Cytogenetic location: 17q12.
Variant type: Deletion.
Coding change: c.827_837del on transcript NM_000458.4 (MANE Select); coding-DNA positions 827 to 837, 11 bases deleted (GAGGGGTGTCC).
Protein change: p.Arg276fs; shifts the reading frame from arginine 276.
Molecular consequence: frameshift variant.
Genome position (GRCh38, 1-based): chr17:37,731,803-37,731,813, GGACACCCCTC deleted on the plus strand (GAGGGGTGTCC on the coding strand, the reverse complement: HNF1B is on the minus strand); deleting any 11 consecutive bases within chr17:37,731,803-37,731,814 gives the same sequence; the c. name uses the placement nearest the transcript's 3' end. VCF-style (leftmost placement, unchanged base first): chr17-37731802-GGGACACCCCTC-G. GRCh37 (hg19) VCF-style: chr17-36091793-GGGACACCCCTC-G.
Other names: c.749_759del, p.Arg250fs (NM_001165923.4, NM_001304286.2); c.827_837del, p.Arg276fs (NM_001411100.1); short protein forms R250fs, R276fs.
Identifiers: ClinVar variation 3236049 (VCV003236049.1), dbSNP rs2511802149, ClinGen allele CA2825002499.